The following is an entry in ClinVar:

ClinVar aggregate classification (germline): Uncertain significance. Review status: criteria provided, multiple submitters, no conflicts (2 of 4 stars). 4 submissions from 4 submitters: Uncertain significance (4). Last evaluated 2026-01-16.

Conditions:
Cardiovascular phenotype. Identifiers: MedGen CN230736.
Catecholaminergic polymorphic ventricular tachycardia (CVPT). Also called: Catecholamine-induced polymorphic ventricular tachycardia. Identifiers: Orphanet 3286, MedGen C5574922, MONDO:0017990.
Catecholaminergic polymorphic ventricular tachycardia 1. Also called: RYR2-Related Catecholaminergic Polymorphic Ventricular Tachycardia; VENTRICULAR TACHYCARDIA, STRESS-INDUCED POLYMORPHIC 1; VENTRICULAR TACHYCARDIA, CATECHOLAMINERGIC POLYMORPHIC, 1, WITH OR WITHOUT ATRIAL DYSFUNCTION AND/OR DILATED CARDIOMYOPATHY. Identifiers: Orphanet 3286, MedGen C1631597, MONDO:0011484, OMIM 604772.
Cardiomyopathy (CMYO). Also called: Cardiomyopathies. Identifiers: Orphanet 167848, MedGen C0878544, MONDO:0004994, HP:0001638. Inheritance: Various modes of inheritance.

Allele frequency attached by ClinVar (database versions not stated): gnomAD exomes below 0.00001; TOPMed below 0.00001.
gnomAD v4.1: 5 of 1,612,036 alleles (0.00031%); highest among the groups gnomAD compares: Non-Finnish European, 0.00034%; no homozygotes.

Submissions (4):

Labcorp Genetics (formerly Invitae), Labcorp
Classification: Uncertain significance for Catecholaminergic polymorphic ventricular tachycardia 1. Last evaluated: 2026-01-16. Review status: criteria provided, single submitter. Criteria: Invitae Variant Classification Sherloc (09022015). Collection method: clinical testing. Allele origin: germline.
Comment: This sequence change replaces threonine, which is neutral and polar, with serine, which is neutral and polar, at codon 3919 of the RYR2 protein (p.Thr3919Ser). This variant is not present in population databases (gnomAD no frequency). This variant has not been reported in the literature in individuals affected with RYR2-related conditions. ClinVar contains an entry for this variant (Variation ID: 1466131). Invitae Evidence Modeling of protein sequence and biophysical properties (such as structural, functional, and spatial information, amino acid conservation, physicochemical variation, residue mobility, and thermodynamic stability) indicates that this missense variant is not expected to disrupt RYR2 protein function with a negative predictive value of 95%. In summary, the available evidence is currently insufficient to determine the role of this variant in disease. Therefore, it has been classified as a Variant of Uncertain Significance.

Ambry Genetics
Classification: Uncertain significance for Cardiovascular phenotype. Last evaluated: 2025-04-22. Review status: criteria provided, single submitter. Criteria: Ambry Variant Classification Scheme 2023. Collection method: clinical testing. Allele origin: germline.
Comment: The p.T3919S variant (also known as c.11756C>G), located in coding exon 87 of the RYR2 gene, results from a C to G substitution at nucleotide position 11756. The threonine at codon 3919 is replaced by serine, an amino acid with similar properties. This amino acid position is well conserved in available vertebrate species. In addition, the in silico prediction for this alteration is inconclusive. Based on the available evidence, the clinical significance of this variant remains unclear.

Color Diagnostics, LLC DBA Color Health
Classification: Uncertain significance for Cardiomyopathy. Last evaluated: 2025-02-03. Review status: criteria provided, single submitter. Criteria: ACMG Guidelines, 2015. Collection method: clinical testing. Allele origin: germline.
Comment: This missense variant replaces threonine with serine at codon 3919 of the RYR2 protein. Computational prediction suggests that this variant may not impact protein structure and function (internally defined REVEL score threshold <= 0.5, PMID: 27666373). To our knowledge, functional studies have not been reported for this variant. This variant has not been reported in individuals affected with RYR2-related disorders in the literature. This variant has not been identified in the general population by the Genome Aggregation Database (gnomAD). The available evidence is insufficient to determine the role of this variant in disease conclusively. Therefore, this variant is classified as a Variant of Uncertain Significance.

All of Us Research Program, National Institutes of Health
Classification: Uncertain significance for Catecholaminergic polymorphic ventricular tachycardia. Last evaluated: 2023-07-19. Review status: criteria provided, single submitter. Criteria: ACMG Guidelines, 2015. Collection method: clinical testing. Allele origin: germline. Inheritance: Autosomal dominant inheritance. Observed: 1 variant allele, 1 heterozygote.
Comment: This missense variant replaces threonine with serine at codon 3919 of the RYR2 protein. Computational prediction suggests that this variant may not impact protein structure and function (internally defined REVEL score threshold <= 0.5, PMID: 27666373). To our knowledge, functional studies have not been reported for this variant. This variant has not been reported in individuals affected with RYR2-related disorders in the literature. This variant has not been identified in the general population by the Genome Aggregation Database (gnomAD). The available evidence is insufficient to determine the role of this variant in disease conclusively. Therefore, this variant is classified as a Variant of Uncertain Significance.

This study involves interpretation of variants in research participants for the purpose of population health screening. Participant phenotype was not available at the time of variant classification. Additional details can be found in publication PMID: 35346344, PMCID: PMC8962531

NM_001035.3(RYR2):c.11756C>G (p.Thr3919Ser)

Gene: RYR2 (ryanodine receptor 2; plus strand). Cytogenetic location: 1q43.
Variant type: single nucleotide variant.
Coding change: c.11756C>G on transcript NM_001035.3 (MANE Select); coding-DNA position 11756, C replaced by G.
Protein change: p.Thr3919Ser; replaces threonine 3919 with serine.
Molecular consequence: missense variant.
Genome position (GRCh38, 1-based): chr1:237,773,629, C>G. VCF-style: chr1-237773629-C-G. GRCh37 (hg19) VCF-style: chr1-237936929-C-G.
Other names: c.11756C>G (NM_001035.2); short protein forms T3919S.
Identifiers: ClinVar variation 1466131 (VCV001466131.9), dbSNP rs1694434184, ClinGen allele CA345408000.
Genomic context (GRCh38, chr1:237,773,629, plus strand): 5'-ATGAACAAGGACAACGGAATTTCTCCAAAGCTATCCAAGTGGCAAAACAAGTCTTTAACA[C>G]TCTTACAGAGTATATTCAGGTAAACATTTAAACATGGCTGCTATCTGTAGCACTGAACTC-3'
Protein context (NP_001026.2, residues 3909-3929): AIQVAKQVFN[Thr3919Ser]LTEYIQGPCT